The following is an entry in ClinVar:

ClinVar aggregate classification (germline): Conflicting classifications of pathogenicity. Review status: criteria provided, conflicting classifications (1 of 4 stars). 2 submissions from 2 submitters: Uncertain significance (1); Likely benign (1). Last evaluated 2019-09-10.

Conditions:
Immunodeficiency 104. Also called: IMMUNODEFICIENCY 104, SEVERE COMBINED; Severe Combined Immune Deficiency, Autosomal Recessive, TCell -Negative, B Cell-Positive, NK Cell-Positive, IL7R-Related; Severe combined immunodeficiency, autosomal recessive, T cell-negative, B cell-positive, NK cell-positive; SCID, AUTOSOMAL RECESSIVE, T CELL-NEGATIVE, B CELL-POSITIVE, NK CELL-POSITIVE. Identifiers: MedGen C5676890, MONDO:0012163, OMIM 608971.

Allele frequency attached by ClinVar (database versions not stated): gnomAD exomes below 0.00001.
gnomAD v4.1: 1 of 1,607,614 alleles (0.000062%); highest among the groups gnomAD compares: Admixed American, 0.0017%; no homozygotes.

Submissions (2):

Labcorp Genetics (formerly Invitae), Labcorp
Classification: Uncertain significance for Immunodeficiency 104. Last evaluated: 2019-09-10. Review status: criteria provided, single submitter. Criteria: Invitae Variant Classification Sherloc (09022015). Collection method: clinical testing. Allele origin: germline.
Comment: In summary, the available evidence is currently insufficient to determine the role of this variant in disease. Therefore, it has been classified as a Variant of Uncertain Significance. Algorithms developed to predict the effect of missense changes on protein structure and function output the following: SIFT: "Tolerated"; PolyPhen-2: "Benign"; Align-GVGD: "Class C0". The isoleucine amino acid residue is found in multiple mammalian species, suggesting that this missense change does not adversely affect protein function. These predictions have not been confirmed by published functional studies and their clinical significance is uncertain. This variant has not been reported in the literature in individuals with IL7R-related conditions. ClinVar contains an entry for this variant (Variation ID: 380338). This variant is not present in population databases (ExAC no frequency). This sequence change replaces methionine with isoleucine at codon 238 of the IL7R protein (p.Met238Ile). The methionine residue is moderately conserved and there is a small physicochemical difference between methionine and isoleucine.

GeneDx
Classification: Likely benign. Last evaluated: 2015-07-20. Review status: criteria provided, single submitter. Criteria: GeneDx Variant Classification (06012015). Collection method: clinical testing. Allele origin: germline. Affected: yes.
Comment: This variant is considered likely benign or benign based on one or more of the following criteria: it is a conservative change, it occurs at a poorly conserved position in the protein, it is predicted to be benign by multiple in silico algorithms, and/or has population frequency not consistent with disease.

NM_002185.5(IL7R):c.714G>A (p.Met238Ile)

Gene: IL7R (interleukin 7 receptor; plus strand). Cytogenetic location: 5p13.2.
Variant type: single nucleotide variant.
Coding change: c.714G>A on transcript NM_002185.5 (MANE Select); coding-DNA position 714, G replaced by A.
Protein change: p.Met238Ile; replaces methionine 238 with isoleucine.
Molecular consequence: missense variant.
Genome position (GRCh38, 1-based): chr5:35,874,456, G>A. VCF-style: chr5-35874456-G-A. GRCh37 (hg19) VCF-style: chr5-35874558-G-A.
Other names: c.714G>A (LRG_74t1); short protein forms M238I.
Identifiers: ClinVar variation 380338 (VCV000380338.9), dbSNP rs1057520828, ClinGen allele CA16604896.